The following is an entry in ClinVar:

ClinVar aggregate classification (germline): Uncertain significance (1 of 4 stars; one submission).

Conditions:
Familial intrahepatic cholestasis. Identifiers: Orphanet 284385, MedGen CN296401, MONDO:0017290.

Submission:

Genomenon, Inc
Classification: Uncertain significance for Familial intrahepatic cholestasis. Last evaluated: 2026-04-14. Review status: criteria provided, single submitter. Criteria: Genomenon Sequence Variant Interpretation Standards - Updated. Collection method: curation. Allele origin: germline. Affected: yes.
Comment: ABCB11 p.Ile516Val (c.1546A>G) is a missense variant that changes the amino acid at residue 516 from Isoleucine to Valine. This variant has been observed in at least one proband with an ABCB11-related disorder (PMID:37697751). It has been observed in trans with a pathogenic or likely pathogenic variant (PMID:37697751). It is absent or not present at a significant frequency in gnomAD. In silico models predict that this variant is possibly or probably damaging. In conclusion, we classify ABCB11 p.Ile516Val (c.1546A>G) as a variant of uncertain significance.

Literature cited by the submitters: PubMed 37697751.

NM_003742.4(ABCB11):c.1546A>G (p.Ile516Val)

Gene: ABCB11 (ATP binding cassette subfamily B member 11; minus strand). Cytogenetic location: 2q31.1.
Variant type: single nucleotide variant.
Coding change: c.1546A>G on transcript NM_003742.4 (MANE Select); coding-DNA position 1546, A replaced by G.
Protein change: p.Ile516Val; replaces isoleucine 516 with valine.
Molecular consequence: missense variant.
Genome position (GRCh38, 1-based): chr2:168,971,939, T>C on the plus strand (A>G on the coding strand, the complement: ABCB11 is on the minus strand). VCF-style: chr2-168971939-T-C. GRCh37 (hg19) VCF-style: chr2-169828449-T-C.
Other names: short protein forms I516V.
Identifiers: ClinVar variation 4846057 (VCV004846057.1).